The following is an entry in ClinVar:

ClinVar aggregate classification (germline): Conflicting classifications of pathogenicity. Review status: criteria provided, conflicting classifications (1 of 4 stars). 5 submissions from 5 submitters: Uncertain significance (3); Likely benign (1). 1 of the submissions does not count toward it. Last evaluated 2025-12-10.

Conditions:
Hereditary cancer-predisposing syndrome. Also called: Neoplastic Syndromes, Hereditary; Hereditary Cancer Syndrome; Tumor predisposition; Hereditary neoplastic syndrome. Identifiers: Orphanet 140162, MedGen C0027672, MeSH D009386, MONDO:0015356.
Familial cancer of breast. Also called: Hereditary breast cancer; BREAST CANCER, FAMILIAL; hereditary breast carcinoma. Identifiers: Orphanet 227535, MedGen C0346153, MONDO:0016419, OMIM 114480. Disease mechanism: loss of function.
Ataxia-telangiectasia syndrome (AT). Also called: LOUIS-BAR SYNDROME; Cerebello-oculocutaneous telangiectasia; Immunodeficiency with ataxia telangiectasia; Ataxia-telangiectasia, complementation group D; AT, COMPLEMENTATION GROUP C; Ataxia-telangiectasia, complementation group E. Identifiers: Orphanet 100, MedGen C0004135, MONDO:0008840, OMIM 208900.

Allele frequency attached by ClinVar (database versions not stated): gnomAD exomes below 0.00001; gnomAD 0.00001.
gnomAD v4.1: 4 of 1,612,008 alleles (0.00025%); highest among the groups gnomAD compares: Non-Finnish European, 0.00017%; 1 homozygote.

Submissions (5):

Ambry Genetics
Classification: Uncertain significance for Hereditary cancer-predisposing syndrome. Last evaluated: 2025-12-10. Review status: criteria provided, single submitter. Criteria: Ambry Variant Classification Scheme 2023. Collection method: clinical testing. Allele origin: germline.
Comment: The p.P2093S variant (also known as c.6277C>T), located in coding exon 42 of the ATM gene, results from a C to T substitution at nucleotide position 6277. The proline at codon 2093 is replaced by serine, an amino acid with similar properties. This amino acid position is poorly conserved in available vertebrate species. In addition, this alteration is predicted to be tolerated by in silico analysis. Since supporting evidence is limited at this time, the clinical significance of this alteration remains unclear.

Labcorp Genetics (formerly Invitae), Labcorp
Classification: Likely benign for Ataxia-telangiectasia syndrome. Last evaluated: 2025-10-28. Review status: criteria provided, single submitter. Criteria: Invitae Variant Classification Sherloc (09022015). Collection method: clinical testing. Allele origin: germline.

Color Diagnostics, LLC DBA Color Health
Classification: Uncertain significance for Hereditary cancer-predisposing syndrome. Last evaluated: 2023-12-05. Review status: criteria provided, single submitter. Criteria: ACMG Guidelines, 2015. Collection method: clinical testing. Allele origin: germline.
Comment: This missense variant replaces proline with serine at codon 2093 of the ATM protein. Computational prediction suggests that this variant may not impact protein structure and function (internally defined REVEL score threshold <= 0.5, PMID: 27666373). To our knowledge, functional studies have not been reported for this variant. This variant has not been reported in individuals affected with ATM-related disorders in the literature. This variant has been identified in 1/30590 chromosomes in the general population by the Genome Aggregation Database (gnomAD). The available evidence is insufficient to determine the role of this variant in disease conclusively. Therefore, this variant is classified as a Variant of Uncertain Significance.

Baylor Genetics
Classification: Uncertain significance for Familial cancer of breast. Last evaluated: 2023-10-03. Review status: criteria provided, single submitter. Criteria: ACMG Guidelines, 2015. Collection method: clinical testing. Allele origin: unknown.

Natera, Inc.
Classification: Uncertain significance for Ataxia-telangiectasia. Last evaluated: 2020-10-09. Review status: no assertion criteria provided. Collection method: clinical testing. Allele origin: germline. Not counted in ClinVar's aggregate classification.

NM_000051.4(ATM):c.6277C>T (p.Pro2093Ser)

Genes: ATM (ATM serine/threonine kinase; plus strand), C11orf65 (chromosome 11 open reading frame 65; minus strand). Cytogenetic location: 11q22.3.
Variant type: single nucleotide variant.
Coding change: c.6277C>T on transcript NM_000051.4 (MANE Select); coding-DNA position 6277, C replaced by T.
Protein change: p.Pro2093Ser; replaces proline 2093 with serine.
Molecular consequence: missense variant. On other transcripts: intron variant (2).
Genome position (GRCh38, 1-based): chr11:108,317,451, C>T. VCF-style: chr11-108317451-C-T. GRCh37 (hg19) VCF-style: chr11-108188178-C-T.
Other names: c.6277C>T, p.Pro2093Ser (NM_001351834.2); c.641-8380G>A (NM_001330368.2); c.*39-8380G>A (NM_001351110.2); short protein forms P2093S.
Identifiers: ClinVar variation 478959 (VCV000478959.28), dbSNP rs946942912, ClinGen allele CA228403260.
Genomic context (GRCh38, chr11:108,317,451, plus strand): 5'-CTCTGCCATATTCTTTCCGTCTATTTAAAAGGATTGGATTATGAAAATAAAGACTGGTGT[C>T]CTGAACTAGAAGAACTTCATTACCAAGCAGCATGGAGGAATATGCAGTGGGACCATTGCA-3'
Protein context (NP_000042.3, residues 2083-2103): GLDYENKDWC[Pro2093Ser]ELEELHYQAA